The following is an entry in ClinVar:

NC_000014.9:g.(?_67793598)_(67794249_?)del

Gene: ZFYVE26 (zinc finger FYVE-type containing 26; minus strand). Cytogenetic location: 14q24.1.
Variant type: Deletion.
Identifiers: ClinVar variation 830773 (VCV000830773.1).

ClinVar aggregate classification (germline): Pathogenic (1 of 4 stars; one submission).

Conditions:
Spastic paraplegia. Identifiers: MedGen C0037772, HP:0001258.

Submission:

Labcorp Genetics (formerly Invitae), Labcorp
Classification: Pathogenic for Spastic paraplegia. Last evaluated: 2019-07-06. Review status: criteria provided, single submitter. Criteria: Invitae Variant Classification Sherloc (09022015). Collection method: clinical testing. Allele origin: germline.
Comment: This variant is an out-of-frame deletion of the genomic region encompassing exons 13-14 of the ZFYVE26 gene. This is expected to create a premature translational stop signal and result in an absent or disrupted protein product. This variant has not been reported in the literature in individuals with ZFYVE26-related conditions. Loss-of-function variants in ZFYVE26 are known to be pathogenic (PMID: 18394578, 19805727). For these reasons, this variant has been classified as Pathogenic.